The following is an entry in ClinVar:

ClinVar aggregate classification (germline): Uncertain significance (1 of 4 stars; one submission).

gnomAD v4.1: 5 of 1,546,454 alleles (0.00032%); highest among the groups gnomAD compares: African/African-American, 0.0041%; no homozygotes.

Submission:

Labcorp Genetics (formerly Invitae), Labcorp
Classification: Uncertain significance. Last evaluated: 2024-12-17. Review status: criteria provided, single submitter. Criteria: Invitae Variant Classification Sherloc (09022015). Collection method: clinical testing. Allele origin: germline.
Comment: This sequence change replaces threonine, which is neutral and polar, with alanine, which is neutral and non-polar, at codon 5 of the KCNK4 protein (p.Thr5Ala). This variant is present in population databases (no rsID available, gnomAD 0.01%). This variant has not been reported in the literature in individuals affected with KCNK4-related conditions. An algorithm developed to predict the effect of missense changes on protein structure and function (PolyPhen-2) suggests that this variant is likely to be disruptive. In summary, the available evidence is currently insufficient to determine the role of this variant in disease. Therefore, it has been classified as a Variant of Uncertain Significance.

NM_033310.3(KCNK4):c.13A>G (p.Thr5Ala)

Genes: KCNK4 (potassium two pore domain channel subfamily K member 4; plus strand), KCNK4-CATSPERZ (KCNK4-CATSPERZ readthrough (NMD candidate); plus strand). Cytogenetic location: 11q13.1.
Variant type: single nucleotide variant.
Coding change: c.13A>G on transcript NM_033310.3 (MANE Select); coding-DNA position 13, A replaced by G.
Protein change: p.Thr5Ala; replaces threonine 5 with alanine.
Molecular consequence: missense variant. On other transcripts: non-coding transcript variant (2).
Genome position (GRCh38, 1-based): chr11:64,293,031, A>G. VCF-style: chr11-64293031-A-G. GRCh37 (hg19) VCF-style: chr11-64060503-A-G.
Other names: c.13A>G, p.Thr5Ala (NM_001317090.2); short protein forms T5A.
Identifiers: ClinVar variation 3698393 (VCV003698393.2).